The following is an entry in ClinVar:

ClinVar aggregate classification (germline): Pathogenic/Likely pathogenic. Review status: criteria provided, multiple submitters, no conflicts (2 of 4 stars). 2 submissions from 2 submitters: Pathogenic (1); Likely pathogenic (1). Last evaluated 2025-09-30.

Conditions:
Complement component 3 deficiency. Identifiers: Orphanet 280133, MedGen C3151071, MONDO:0013417, OMIM 613779.
C3-related disorders.

Submissions (2):

Genomenon, Inc
Classification: Pathogenic for Complement component 3 deficiency. Last evaluated: 2025-09-30. Review status: criteria provided, single submitter. Criteria: Genomenon Sequence Variant Interpretation Standards. Collection method: curation. Allele origin: germline. Affected: yes.
Comment: C3 p.Asn103GlnfsTer66 (c.305dup) is a frameshift variant that results in the production of a truncated protein which is predicted to undergo nonsense-mediated mRNA decay. This variant has been observed in at least one proband affected with C3 deficiency (PMID:39114852). The variant was found to segregate with disease in at least one affected family (PMID:39114852). It is absent or not present at a significant frequency in gnomAD. In conclusion, we classify C3 p.Asn103GlnfsTer66 (c.305dup) as a pathogenic variant.

Blueprint Genetics
Classification: Likely pathogenic for C3-related disorders. Last evaluated: 2022-03-05. Review status: criteria provided, single submitter. Criteria: ACMG Guidelines, 2015. Collection method: clinical testing. Allele origin: germline. Affected: yes. Observed: 2 variant alleles.

Literature cited by the submitters: PubMed 39114852 (cited by Genomenon, Inc).

NM_000064.4(C3):c.305dup (p.Asn103fs)

Gene: C3 (complement C3; minus strand). Cytogenetic location: 19p13.3.
Variant type: Duplication.
Coding change: c.305dup on transcript NM_000064.4 (MANE Select); coding-DNA position 305, one base duplicated (G; older notation c.305dupG).
Protein change: p.Asn103fs; shifts the reading frame from asparagine 103.
Molecular consequence: frameshift variant.
Genome position (GRCh38, 1-based): chr19:6,718,375, C duplicated on the plus strand (G on the coding strand, the reverse complement: C3 is on the minus strand). VCF-style (leftmost placement, unchanged base first): chr19-6718374-G-GC. GRCh37 (hg19) VCF-style: chr19-6718385-G-GC.
Other names: short protein forms N103fs.
Identifiers: ClinVar variation 4280287 (VCV004280287.2).